The following is an entry in ClinVar:

ClinVar aggregate classification (germline): Uncertain significance (1 of 4 stars; one submission).

gnomAD v4.1: 1 of 1,614,148 alleles (0.000062%); highest among the groups gnomAD compares: Admixed American, 0.0017%; no homozygotes.

Submission:

Labcorp Genetics (formerly Invitae), Labcorp
Classification: Uncertain significance. Last evaluated: 2024-11-04. Review status: criteria provided, single submitter. Criteria: Invitae Variant Classification Sherloc (09022015). Collection method: clinical testing. Allele origin: germline.
Comment: This sequence change replaces glutamic acid, which is acidic and polar, with aspartic acid, which is acidic and polar, at codon 104 of the ARCN1 protein (p.Glu104Asp). This variant is present in population databases (no rsID available, gnomAD 0.006%). This variant has not been reported in the literature in individuals affected with ARCN1-related conditions. An algorithm developed to predict the effect of missense changes on protein structure and function outputs the following: PolyPhen-2: "Benign". The aspartic acid amino acid residue is found in multiple mammalian species, which suggests that this missense change does not adversely affect protein function. In summary, the available evidence is currently insufficient to determine the role of this variant in disease. Therefore, it has been classified as a Variant of Uncertain Significance.

NM_001655.5(ARCN1):c.312G>C (p.Glu104Asp)

Gene: ARCN1 (archain 1 coat protein complex I subunit delta; plus strand). Cytogenetic location: 11q23.3.
Variant type: single nucleotide variant.
Coding change: c.312G>C on transcript NM_001655.5 (MANE Select); coding-DNA position 312, G replaced by C.
Protein change: p.Glu104Asp; replaces glutamic acid 104 with aspartic acid.
Molecular consequence: missense variant. On other transcripts: non-coding transcript variant (2), intron variant (1).
Genome position (GRCh38, 1-based): chr11:118,583,223, G>C. VCF-style: chr11-118583223-G-C. GRCh37 (hg19) VCF-style: chr11-118453938-G-C.
Other names: c.48G>C, p.Glu16Asp (NM_001142281.2, NM_001425081.1); c.312G>C, p.Glu104Asp (NM_001425073.1, NM_001425077.1, NM_001425078.1); c.309G>C, p.Glu103Asp (NM_001425074.1, NM_001425079.1); c.255G>C, p.Glu85Asp (NM_001425075.1); c.243G>C, p.Glu81Asp (NM_001425076.1); c.4-586G>C (NM_001425080.1); short protein forms E104D, E81D, E85D, E16D, E103D.
Identifiers: ClinVar variation 3686412 (VCV003686412.2).